The following is an entry in ClinVar:

ClinVar aggregate classification (germline): Uncertain significance. Review status: criteria provided, multiple submitters, no conflicts (2 of 4 stars). 2 submissions from 2 submitters: Uncertain significance (2). Last evaluated 2025-07-15.

Conditions:
DUOX2-related disorder. Also called: DUOX2-related condition.

Allele frequency attached by ClinVar (database versions not stated): gnomAD exomes 0.00001; TOPMed 0.00002.
gnomAD v4.1: 14 of 1,614,196 alleles (0.00087%); highest among the groups gnomAD compares: Non-Finnish European, 0.0011%; no homozygotes.

Submissions (2):

PreventionGenetics, part of Exact Sciences
Classification: Uncertain significance for DUOX2-related condition. Last evaluated: 2025-07-15. Review status: criteria provided, single submitter. Criteria: ACMG Guidelines, 2015. Collection method: clinical testing. Allele origin: germline.
Comment: The DUOX2 c.4235A>G variant is predicted to result in the amino acid substitution p.Lys1412Arg. To our knowledge, this variant has not been reported in the literature. This variant is reported in 0.0026% of alleles in individuals of European (Non-Finnish) descent in gnomAD. At this time, the clinical significance of this variant is uncertain due to the absence of conclusive functional and genetic evidence.

Labcorp Genetics (formerly Invitae), Labcorp
Classification: Uncertain significance. Last evaluated: 2024-12-12. Review status: criteria provided, single submitter. Criteria: Invitae Variant Classification Sherloc (09022015). Collection method: clinical testing. Allele origin: germline.
Comment: This sequence change replaces lysine, which is basic and polar, with arginine, which is basic and polar, at codon 1412 of the DUOX2 protein (p.Lys1412Arg). This variant is present in population databases (no rsID available, gnomAD 0.003%). This variant has not been reported in the literature in individuals affected with DUOX2-related conditions. ClinVar contains an entry for this variant (Variation ID: 2883633). Invitae Evidence Modeling of protein sequence and biophysical properties (such as structural, functional, and spatial information, amino acid conservation, physicochemical variation, residue mobility, and thermodynamic stability) indicates that this missense variant is expected to disrupt DUOX2 protein function with a positive predictive value of 80%. In summary, the available evidence is currently insufficient to determine the role of this variant in disease. Therefore, it has been classified as a Variant of Uncertain Significance.

NM_001363711.2(DUOX2):c.4235A>G (p.Lys1412Arg)

Gene: DUOX2 (dual oxidase 2; minus strand). Cytogenetic location: 15q21.1.
Variant type: single nucleotide variant.
Coding change: c.4235A>G on transcript NM_001363711.2 (MANE Select); coding-DNA position 4235, A replaced by G.
Protein change: p.Lys1412Arg; replaces lysine 1412 with arginine.
Molecular consequence: missense variant.
Genome position (GRCh38, 1-based): chr15:45,095,441, T>C on the plus strand (A>G on the coding strand, the complement: DUOX2 is on the minus strand). VCF-style: chr15-45095441-T-C. GRCh37 (hg19) VCF-style: chr15-45387639-T-C.
Other names: c.4235A>G (NM_014080.4); c.4235A>G, p.Lys1412Arg (NM_014080.5); short protein forms K1412R.
Identifiers: ClinVar variation 2883633 (VCV002883633.5), dbSNP rs1253692831, ClinGen allele CA392251061.